The following is an entry in ClinVar:

NC_000006.11:g.(?_123580749)_(123595835_?)dup

Gene: TRDN (triadin; minus strand). Cytogenetic location: 6q22.31.
Variant type: Duplication.
Identifiers: ClinVar variation 2425500 (VCV002425500.4).

ClinVar aggregate classification (germline): Uncertain significance (1 of 4 stars; one submission).

Conditions:
Catecholaminergic polymorphic ventricular tachycardia 1. Also called: VENTRICULAR TACHYCARDIA, CATECHOLAMINERGIC POLYMORPHIC, 1, WITH OR WITHOUT ATRIAL DYSFUNCTION AND/OR DILATED CARDIOMYOPATHY; RYR2-Related Catecholaminergic Polymorphic Ventricular Tachycardia; VENTRICULAR TACHYCARDIA, STRESS-INDUCED POLYMORPHIC 1. Identifiers: Orphanet 3286, MedGen C1631597, MONDO:0011484, OMIM 604772.

Submission:

Labcorp Genetics (formerly Invitae), Labcorp
Classification: Uncertain significance for Catecholaminergic polymorphic ventricular tachycardia 1. Last evaluated: 2022-07-21. Review status: criteria provided, single submitter. Criteria: Invitae Variant Classification Sherloc (09022015). Collection method: clinical testing. Allele origin: germline.
Comment: In summary, the available evidence is currently insufficient to determine the role of this variant in disease. Therefore, it has been classified as a Variant of Uncertain Significance. Experimental studies and prediction algorithms are not available or were not evaluated, and the functional significance of this variant is currently unknown. This variant has not been reported in the literature in individuals affected with TRDN-related conditions. This variant results in a copy number gain of the genomic region encompassing exon(s) 27-35 of the TRDN gene. While the exact position of this variant cannot be determined from the data, sub-genic copy number gains are generally in tandem (PMID: 25640679). This variant is predicted to be in-frame, and likely preserves the integrity of the reading frame.

Literature cited by the submitters: PubMed 25640679.